The following is an entry in ClinVar:

NM_017780.4(CHD7):c.7400del (p.Leu2467fs)

Gene: CHD7 (chromodomain helicase DNA binding protein 7; plus strand). Cytogenetic location: 8q12.2.
Variant type: Deletion.
Coding change: c.7400del on transcript NM_017780.4 (MANE Select); coding-DNA position 7400, one base deleted (T; older notation c.7400delT).
Protein change: p.Leu2467fs; shifts the reading frame from leucine 2467.
Molecular consequence: frameshift variant. On other transcripts: intron variant (1).
Genome position (GRCh38, 1-based): chr8:60,856,680, T deleted; the last of 2 consecutive T bases (chr8:60,856,679-60,856,680); deleting either gives the same sequence. VCF-style (leftmost placement, unchanged base first): chr8-60856678-CT-C. GRCh37 (hg19) VCF-style: chr8-61769237-CT-C.
Other names: c.1717-5549del (NM_001316690.1); short protein forms L2467fs.
Identifiers: ClinVar variation 4819316 (VCV004819316.1).

ClinVar aggregate classification (germline): Pathogenic (1 of 4 stars; one submission).

Conditions:
CHD7-related CHARGE syndrome. Identifiers: MedGen CN380413, MONDO:1010178, OMIM 214800.

Submission:

Molecular Genetics Laboratory, Motol Hospital
Classification: Pathogenic for CHD7-related CHARGE syndrome. Last evaluated: 2023-03-24. Review status: criteria provided, single submitter. Criteria: ACMG Guidelines, 2015. Collection method: clinical testing. Allele origin: de novo. Affected: yes. Observed: 1 variant allele.
Comment: Rare loss-of-function variants in the CHD7 gene are associated with autosomal dominant CHARGE syndrome (MIM:214800). Rare variant not present in the non-Finnish European poulation (gnomAD v4.1.0). The variant is classified as pathogenic.